The following is an entry in ClinVar:

NM_000384.3(APOB):c.5084C>T (p.Ala1695Val)

Gene: APOB (apolipoprotein B; minus strand). Cytogenetic location: 2p24.1.
Variant type: single nucleotide variant.
Coding change: c.5084C>T on transcript NM_000384.3 (MANE Select); coding-DNA position 5084, C replaced by T.
Protein change: p.Ala1695Val; replaces alanine 1695 with valine.
Molecular consequence: missense variant.
Genome position (GRCh38, 1-based): chr2:21,011,784, G>A on the plus strand (C>T on the coding strand, the complement: APOB is on the minus strand). VCF-style: chr2-21011784-G-A. GRCh37 (hg19) VCF-style: chr2-21234656-G-A.
Other names: short protein forms A1695V.
Identifiers: ClinVar variation 3231421 (VCV003231421.2), dbSNP rs370187261, ClinGen allele CA061638.
Genomic context (GRCh38, chr2:21,011,784, plus strand): 5'-TGATAAGCACTTCCCAGTGATAGCTCTGTGAGGGCGGCTTTCCCATCCAGACTGAATTTT[G>A]CATTGTGTTCCCTGAAGCGGCCATTTGTTGTTAATTTCATAGATGCCCCAGAGAGGCCAA-3'
Protein context (NP_000375.3, residues 1685-1705): TTNGRFREHN[Ala1695Val]KFSLDGKAAL

ClinVar aggregate classification (germline): Uncertain significance. Review status: criteria provided, multiple submitters, no conflicts (2 of 4 stars). 2 submissions from 2 submitters: Uncertain significance (2). Last evaluated 2026-01-07.

Conditions:
Cardiovascular phenotype. Identifiers: MedGen CN230736.
Familial hypercholesterolemia. Also called: Familial hypercholesterolaemia. Identifiers: MedGen C0020445, MONDO:0005439.

Allele frequency attached by ClinVar (database versions not stated): ExAC 0.00001; gnomAD exomes 0.00002; ESP Exome Variant Server 0.00008.
gnomAD v4.1: 27 of 1,614,040 alleles (0.0017%); highest among the groups gnomAD compares: Non-Finnish European, 0.0023%; no homozygotes.

Submissions (2):

Cambridge Genomics Laboratory, East Genomic Laboratory Hub, NHS Genomic Medicine Service
Classification: Uncertain significance for Familial hypercholesterolaemia. Last evaluated: 2026-01-07. Review status: criteria provided, single submitter. Criteria: ACGS Best Practice Guidelines for Variant Classification in Rare Disease 2020. Collection method: clinical testing. Allele origin: germline. Affected: yes.
Comment: PM2_Supporting,PP4

Ambry Genetics
Classification: Uncertain significance for Cardiovascular phenotype. Last evaluated: 2024-02-23. Review status: criteria provided, single submitter. Criteria: Ambry Variant Classification Scheme 2023. Collection method: clinical testing. Allele origin: germline.
Comment: The p.A1695V variant (also known as c.5084C>T), located in coding exon 26 of the APOB gene, results from a C to T substitution at nucleotide position 5084. The alanine at codon 1695 is replaced by valine, an amino acid with similar properties. This amino acid position is conserved. In addition, this alteration is predicted to be tolerated by in silico analysis. Based on the available evidence, the clinical significance of this alteration remains unclear.